The following is an entry in ClinVar:

NM_000322.5(PRPH2):c.828G>C (p.Glu276Asp)

Gene: PRPH2 (peripherin 2; minus strand). Cytogenetic location: 6p21.1.
Variant type: single nucleotide variant.
Coding change: c.828G>C on transcript NM_000322.5 (MANE Select); coding-DNA position 828, G replaced by C.
Protein change: p.Glu276Asp; replaces glutamic acid 276 with aspartic acid.
Molecular consequence: missense variant.
Genome position (GRCh38, 1-based): chr6:42,704,365, C>G on the plus strand (G>C on the coding strand, the complement: PRPH2 is on the minus strand). VCF-style: chr6-42704365-C-G. GRCh37 (hg19) VCF-style: chr6-42672103-C-G.
Other names: short protein forms E276D.
Identifiers: ClinVar variation 2105792 (VCV002105792.4), dbSNP rs1800108549, ClinGen allele CA364134542.

ClinVar aggregate classification (germline): Uncertain significance (1 of 4 stars; one submission).

Conditions:
PRPH2-related disorder. Also called: PRPH2-related condition; PRPH2-related disorders. Identifiers: MedGen CN239395.

Submission:

Labcorp Genetics (formerly Invitae), Labcorp
Classification: Uncertain significance for PRPH2-related disorder. Last evaluated: 2022-12-01. Review status: criteria provided, single submitter. Criteria: Invitae Variant Classification Sherloc (09022015). Collection method: clinical testing. Allele origin: germline.
Comment: In summary, the available evidence is currently insufficient to determine the role of this variant in disease. Therefore, it has been classified as a Variant of Uncertain Significance. Variants that disrupt the consensus splice site are a relatively common cause of aberrant splicing (PMID: 17576681, 9536098). Algorithms developed to predict the effect of sequence changes on RNA splicing suggest that this variant may disrupt the consensus splice site. Algorithms developed to predict the effect of missense changes on protein structure and function output the following: SIFT: "Deleterious"; PolyPhen-2: "Benign"; Align-GVGD: "Class C35". The aspartic acid amino acid residue is found in multiple mammalian species, which suggests that this missense change does not adversely affect protein function. This variant has not been reported in the literature in individuals affected with PRPH2-related conditions. This variant is not present in population databases (gnomAD no frequency). This sequence change replaces glutamic acid, which is acidic and polar, with aspartic acid, which is acidic and polar, at codon 276 of the PRPH2 protein (p.Glu276Asp). This variant also falls at the last nucleotide of exon 2, which is part of the consensus splice site for this exon.

Literature cited by the submitters: PubMed 17576681; PubMed 9536098.